The following is an entry in ClinVar:

ClinVar aggregate classification (germline): Uncertain significance (1 of 4 stars; one submission).

Allele frequency attached by ClinVar (database versions not stated): gnomAD exomes below 0.00001; TOPMed 0.00001; ExAC 0.00003.
gnomAD v4.1: 9 of 1,612,524 alleles (0.00056%); highest among the groups gnomAD compares: Non-Finnish European, 0.00042%; no homozygotes.

Submission:

Labcorp Genetics (formerly Invitae), Labcorp
Classification: Uncertain significance. Last evaluated: 2022-06-13. Review status: criteria provided, single submitter. Criteria: Invitae Variant Classification Sherloc (09022015). Collection method: clinical testing. Allele origin: germline.
Comment: This sequence change replaces glycine, which is neutral and non-polar, with tryptophan, which is neutral and slightly polar, at codon 359 of the UNC45A protein (p.Gly359Trp). In summary, the available evidence is currently insufficient to determine the role of this variant in disease. Therefore, it has been classified as a Variant of Uncertain Significance. Algorithms developed to predict the effect of missense changes on protein structure and function are either unavailable or do not agree on the potential impact of this missense change (SIFT: "Not Available"; PolyPhen-2: "Probably Damaging"; Align-GVGD: "Not Available"). This variant is present in population databases (rs761578148, gnomAD 0.004%). This variant has not been reported in the literature in individuals affected with UNC45A-related conditions.

NM_018671.5(UNC45A):c.1075G>T (p.Gly359Trp)

Gene: UNC45A (unc-45 myosin chaperone A; plus strand). Cytogenetic location: 15q26.1.
Variant type: single nucleotide variant.
Coding change: c.1075G>T on transcript NM_018671.5 (MANE Select); coding-DNA position 1075, G replaced by T.
Protein change: p.Gly359Trp; replaces glycine 359 with tryptophan.
Molecular consequence: missense variant.
Genome position (GRCh38, 1-based): chr15:90,944,939, G>T. VCF-style: chr15-90944939-G-T. GRCh37 (hg19) VCF-style: chr15-91488169-G-T.
Other names: c.1030G>T, p.Gly344Trp (NM_001039675.2, NM_001323621.2); c.1075G>T, p.Gly359Trp (NM_001323619.1); c.640G>T, p.Gly214Trp (NM_001323620.2); short protein forms G214W, G359W, G344W.
Identifiers: ClinVar variation 1927680 (VCV001927680.5), dbSNP rs761578148, ClinGen allele CA7742776.